The following is an entry in ClinVar:

NM_001605.3(AARS1):c.1525C>G (p.Leu509Val)

Gene: AARS1 (alanyl-tRNA synthetase 1; minus strand). Cytogenetic location: 16q22.1.
Variant type: single nucleotide variant.
Coding change: c.1525C>G on transcript NM_001605.3 (MANE Select); coding-DNA position 1525, C replaced by G.
Protein change: p.Leu509Val; replaces leucine 509 with valine.
Molecular consequence: missense variant.
Genome position (GRCh38, 1-based): chr16:70,262,492, G>C on the plus strand (C>G on the coding strand, the complement: AARS1 is on the minus strand). VCF-style: chr16-70262492-G-C. GRCh37 (hg19) VCF-style: chr16-70296395-G-C.
Other names: short protein forms L509V.
Identifiers: ClinVar variation 1682216 (VCV001682216.8), dbSNP rs761096936, ClinGen allele CA8140767.

ClinVar aggregate classification (germline): Uncertain significance. Review status: criteria provided, multiple submitters, no conflicts (2 of 4 stars). 2 submissions from 2 submitters: Uncertain significance (2). Last evaluated 2023-05-07.

Conditions:
Inborn genetic diseases. Identifiers: MedGen C0950123, MeSH D030342.
Charcot-Marie-Tooth disease type 2. Also called: Charcot-Marie-Tooth type 2. Identifiers: Orphanet 64746, MedGen C0270914, MONDO:0018993.

Allele frequency attached by ClinVar (database versions not stated): gnomAD exomes below 0.00001; TOPMed below 0.00001; ExAC 0.00002.
gnomAD v4.1: 7 of 1,614,018 alleles (0.00043%); highest among the groups gnomAD compares: Admixed American, 0.0017%; no homozygotes.

Submissions (2):

Labcorp Genetics (formerly Invitae), Labcorp
Classification: Uncertain significance for Charcot-Marie-Tooth disease type 2. Last evaluated: 2023-05-07. Review status: criteria provided, single submitter. Criteria: Invitae Variant Classification Sherloc (09022015). Collection method: clinical testing. Allele origin: germline.
Comment: In summary, the available evidence is currently insufficient to determine the role of this variant in disease. Therefore, it has been classified as a Variant of Uncertain Significance. Algorithms developed to predict the effect of sequence changes on RNA splicing suggest that this variant may disrupt the consensus splice site. Advanced modeling of protein sequence and biophysical properties (such as structural, functional, and spatial information, amino acid conservation, physicochemical variation, residue mobility, and thermodynamic stability) performed at Invitae indicates that this missense variant is not expected to disrupt AARS protein function. This sequence change replaces leucine, which is neutral and non-polar, with valine, which is neutral and non-polar, at codon 509 of the AARS protein (p.Leu509Val). This variant is present in population databases (rs761096936, gnomAD 0.003%). This variant has not been reported in the literature in individuals affected with AARS-related conditions. ClinVar contains an entry for this variant (Variation ID: 1682216).

Ambry Genetics
Classification: Uncertain significance for Inborn genetic diseases. Last evaluated: 2021-04-27. Review status: criteria provided, single submitter. Criteria: Ambry Variant Classification Scheme 2023. Collection method: clinical testing. Allele origin: germline.
Comment: The p.L509V variant (also known as c.1525C>G), located in coding exon 11 of the AARS gene, results from a C to G substitution at nucleotide position 1525. The leucine at codon 509 is replaced by valine, an amino acid with highly similar properties. This amino acid position is well conserved in available vertebrate species. In addition, the in silico prediction for this alteration is inconclusive. Since supporting evidence is limited at this time, the clinical significance of this alteration remains unclear.